The following is an entry in ClinVar:

ClinVar aggregate classification (germline): Uncertain significance. Review status: criteria provided, single submitter (1 of 4 stars). 2 submissions from 2 submitters: Uncertain significance (1). 1 of the submissions does not count toward it. Last evaluated 2026-01-19.

Conditions:
KIDINS220-related disorder. Also called: KIDINS220-related condition.

Submissions (2):

Labcorp Genetics (formerly Invitae), Labcorp
Classification: Uncertain significance. Last evaluated: 2026-01-19. Review status: criteria provided, single submitter. Criteria: Invitae Variant Classification Sherloc (09022015). Collection method: clinical testing. Allele origin: germline.
Comment: This sequence change replaces glutamic acid, which is acidic and polar, with glycine, which is neutral and non-polar, at codon 1602 of the KIDINS220 protein (p.Glu1602Gly). This variant is not present in population databases (gnomAD no frequency). This variant has not been reported in the literature in individuals affected with KIDINS220-related conditions. ClinVar contains an entry for this variant (Variation ID: 3356255). An algorithm developed to predict the effect of missense changes on protein structure and function (PolyPhen-2) suggests that this variant is likely to be tolerated. In summary, the available evidence is currently insufficient to determine the role of this variant in disease. Therefore, it has been classified as a Variant of Uncertain Significance.

PreventionGenetics, part of Exact Sciences
Classification: Uncertain significance for KIDINS220-related condition. Last evaluated: 2023-11-29. Review status: no assertion criteria provided. Collection method: clinical testing. Allele origin: germline. Not counted in ClinVar's aggregate classification.
Comment: The KIDINS220 c.4805A>G variant is predicted to result in the amino acid substitution p.Glu1602Gly. To our knowledge, this variant has not been reported in the literature or in a large population database, indicating this variant is rare. At this time, the clinical significance of this variant is uncertain due to the absence of conclusive functional and genetic evidence.

NM_020738.4(KIDINS220):c.4805A>G (p.Glu1602Gly)

Gene: KIDINS220 (kinase D interacting substrate 220; minus strand). Cytogenetic location: 2p25.1.
Variant type: single nucleotide variant.
Coding change: c.4805A>G on transcript NM_020738.4 (MANE Select); coding-DNA position 4805, A replaced by G.
Protein change: p.Glu1602Gly; replaces glutamic acid 1602 with glycine.
Molecular consequence: missense variant. On other transcripts: intron variant (6).
Genome position (GRCh38, 1-based): chr2:8,731,231, T>C on the plus strand (A>G on the coding strand, the complement: KIDINS220 is on the minus strand). VCF-style: chr2-8731231-T-C. GRCh37 (hg19) VCF-style: chr2-8871361-T-C.
Other names: c.4808A>G, p.Glu1603Gly (NM_001348729.2); c.4751A>G, p.Glu1584Gly (NM_001348731.2); c.4748A>G, p.Glu1583Gly (NM_001348732.2); c.4637A>G, p.Glu1546Gly (NM_001348734.2); c.4634A>G, p.Glu1545Gly (NM_001348735.2); c.4508A>G, p.Glu1503Gly (NM_001348736.2); c.3882+2213A>G (NM_001348741.2, NM_001348742.2, NM_001348743.2); c.3996+2213A>G (NM_001348738.2); and 1 more; short protein forms E1503G, E1545G, E1546G, E1583G, E1584G, E1602G, E1603G.
Identifiers: ClinVar variation 3356255 (VCV003356255.3).